The following is an entry in ClinVar:

NM_001903.5(CTNNA1):c.2556C>T (p.Leu852=)

Gene: CTNNA1 (catenin alpha 1; plus strand). Cytogenetic location: 5q31.2.
Variant type: single nucleotide variant.
Coding change: c.2556C>T on transcript NM_001903.5 (MANE Select); coding-DNA position 2556, C replaced by T.
Protein change: p.Leu852=; no amino-acid change (leucine 852 retained).
Molecular consequence: synonymous variant. On other transcripts: 3 prime UTR variant (5).
Genome position (GRCh38, 1-based): chr5:138,933,924, C>T. VCF-style: chr5-138933924-C-T. GRCh37 (hg19) VCF-style: chr5-138269613-C-T.
Other names: c.*101C>T (NM_001290307.3, NM_001324002.1, NM_001324003.1 and 2 more transcripts); c.2247C>T, p.Leu749= (NM_001290309.3); c.2187C>T, p.Leu729= (NM_001290310.3); c.1446C>T, p.Leu482= (NM_001290312.1, NM_001323987.1, NM_001323988.1 and 12 more transcripts); c.2556C>T, p.Leu852= (NM_001323982.2, NM_001323983.1, NM_001323984.2); c.2529C>T, p.Leu843= (NM_001323985.2); c.2463C>T, p.Leu821= (NM_001323986.2); c.1311C>T, p.Leu437= (NM_001324001.1); and 3 more.
Identifiers: ClinVar variation 701468 (VCV000701468.9), dbSNP rs1580945275, ClinGen allele CA446793232.

ClinVar aggregate classification (germline): Benign/Likely benign. Review status: criteria provided, multiple submitters, no conflicts (2 of 4 stars). 2 submissions from 2 submitters: Benign (1); Likely benign (1). Last evaluated 2024-10-15.

Conditions:
Hereditary diffuse gastric adenocarcinoma (HDGC). Also called: DIFFUSE GASTRIC AND LOBULAR BREAST CANCER SYNDROME. Identifiers: Orphanet 26106, MedGen C1708349, MONDO:0007648, OMIM 137215.

Submissions (2):

Myriad Genetics, Inc.
Classification: Benign for Hereditary diffuse gastric adenocarcinoma. Last evaluated: 2024-10-15. Review status: criteria provided, single submitter. Criteria: Myriad Autosomal Dominant, Autosomal Recessive and X-Linked Classification Criteria (2023). Collection method: clinical testing. Allele origin: unknown.
Comment: This variant is considered benign. This variant is a silent/synonymous amino acid change and it is not expected to impact splicing.

Labcorp Genetics (formerly Invitae), Labcorp
Classification: Likely benign. Last evaluated: 2018-08-06. Review status: criteria provided, single submitter. Criteria: Invitae Variant Classification Sherloc (09022015). Collection method: clinical testing. Allele origin: germline.